The following is an entry in ClinVar:

ClinVar aggregate classification (germline): Pathogenic/Likely pathogenic. Review status: criteria provided, multiple submitters, no conflicts (2 of 4 stars). 2 submissions from 2 submitters: Pathogenic (1); Likely pathogenic (1). Last evaluated 2024-05-08.

Conditions:
Short stature-optic atrophy-Pelger-Huët anomaly syndrome. Also called: Short stature-optic atrophy-Pelger-HuC+t anomaly syndrome; Short stature, optic nerve atrophy, and Pelger-Huet anomaly. Identifiers: Orphanet 391677, MedGen C3541319, MONDO:0013889, OMIM 614800.
Infantile liver failure syndrome 2 (ILFS2). Identifiers: MedGen C3809651, MONDO:0014659, OMIM 616483.

Submissions (2):

Fulgent Genetics
Classification: Likely pathogenic for Short stature-optic atrophy-Pelger-Huët anomaly syndrome; Infantile liver failure syndrome 2. Last evaluated: 2024-05-08. Review status: criteria provided, single submitter. Criteria: ACMG Guidelines, 2015. Collection method: clinical testing. Allele origin: germline.

Labcorp Genetics (formerly Invitae), Labcorp
Classification: Pathogenic. Last evaluated: 2022-03-04. Review status: criteria provided, single submitter. Criteria: Invitae Variant Classification Sherloc (09022015). Collection method: clinical testing. Allele origin: germline.
Comment: This sequence change creates a premature translational stop signal (p.Leu1726Phefs*7) in the NBAS gene. It is expected to result in an absent or disrupted protein product. Loss-of-function variants in NBAS are known to be pathogenic (PMID: 26073778, 26541327, 27789416, 28031453). This variant is present in population databases (no rsID available, gnomAD 0.01%). This variant has not been reported in the literature in individuals affected with NBAS-related conditions. For these reasons, this variant has been classified as Pathogenic.

Literature cited by the submitters: PubMed 26073778 (cited by Labcorp Genetics (formerly Invitae), Labcorp); PubMed 26541327 (cited by Labcorp Genetics (formerly Invitae), Labcorp); PubMed 27789416 (cited by Labcorp Genetics (formerly Invitae), Labcorp); PubMed 28031453 (cited by Labcorp Genetics (formerly Invitae), Labcorp).

NM_015909.4(NBAS):c.5176del (p.Leu1726fs)

Gene: NBAS (NBAS subunit of NRZ tethering complex; minus strand). Cytogenetic location: 2p24.3.
Variant type: Deletion.
Coding change: c.5176del on transcript NM_015909.4 (MANE Select); coding-DNA position 5176, one base deleted (C; older notation c.5176delC).
Protein change: p.Leu1726fs; shifts the reading frame from leucine 1726.
Molecular consequence: frameshift variant. On other transcripts: non-coding transcript variant (1).
Genome position (GRCh38, 1-based): chr2:15,277,064, G deleted on the plus strand (C on the coding strand, the reverse complement: NBAS is on the minus strand); the first of 2 consecutive G bases (chr2:15,277,064-15,277,065); deleting either gives the same sequence. VCF-style (leftmost placement, unchanged base first): chr2-15277063-AG-A. GRCh37 (hg19) VCF-style: chr2-15417187-AG-A.
Other names: short protein forms L1726fs.
Identifiers: ClinVar variation 1946443 (VCV001946443.6), dbSNP rs1253502123, ClinGen allele CA531314861.